The following is an entry in ClinVar:

ClinVar aggregate classification (germline): Uncertain significance (1 of 4 stars; one submission).

Allele frequency attached by ClinVar (database versions not stated): gnomAD 0.00001; TOPMed 0.00002.

Submission:

Labcorp Genetics (formerly Invitae), Labcorp
Classification: Uncertain significance. Last evaluated: 2025-01-15. Review status: criteria provided, single submitter. Criteria: Invitae Variant Classification Sherloc (09022015). Collection method: clinical testing. Allele origin: germline.
Comment: This sequence change replaces proline, which is neutral and non-polar, with leucine, which is neutral and non-polar, at codon 475 of the PCARE protein (p.Pro475Leu). This variant is present in population databases (no rsID available, gnomAD 0.0009%). This variant has not been reported in the literature in individuals affected with PCARE-related conditions. ClinVar contains an entry for this variant (Variation ID: 1927401). An algorithm developed to predict the effect of missense changes on protein structure and function outputs the following: PolyPhen-2: "Benign". The leucine amino acid residue is found in multiple mammalian species, which suggests that this missense change does not adversely affect protein function. In summary, the available evidence is currently insufficient to determine the role of this variant in disease. Therefore, it has been classified as a Variant of Uncertain Significance.

NM_001029883.3(PCARE):c.1424C>T (p.Pro475Leu)

Gene: PCARE (photoreceptor cilium actin regulator; minus strand). Cytogenetic location: 2p23.2.
Variant type: single nucleotide variant.
Coding change: c.1424C>T on transcript NM_001029883.3 (MANE Select); coding-DNA position 1424, C replaced by T.
Protein change: p.Pro475Leu; replaces proline 475 with leucine.
Molecular consequence: missense variant.
Genome position (GRCh38, 1-based): chr2:29,072,838, G>A on the plus strand (C>T on the coding strand, the complement: PCARE is on the minus strand). VCF-style: chr2-29072838-G-A. GRCh37 (hg19) VCF-style: chr2-29295704-G-A.
Other names: short protein forms P475L.
Identifiers: ClinVar variation 1927401 (VCV001927401.5), dbSNP rs1358649212, ClinGen allele CA346480223.
Genomic context (GRCh38, chr2:29,072,838, plus strand): 5'-TCTTCCTCCTCCTCCTCTGGGCTGCTGTCCTCGCTGTCACTAAGAGATGAAGCGTCCATC[G>A]GCCTGGAGGTTTTGGAAAGGTGTGGTTCCACAGAGACCCCAATCCCAAAGGAATCACATG-3'
Protein context (NP_001025054.1, residues 465-485): VEPHLSKTSR[Pro475Leu]MDASSLSDSE